The following is an entry in ClinVar:

ClinVar aggregate classification (germline): Pathogenic (0 of 4 stars; one submission).

Conditions:
Poirier-Bienvenu neurodevelopmental syndrome (POBINDS). Identifiers: Orphanet 689397, MedGen C5231482, MONDO:0032889, OMIM 618732.

Submission:

Department of Neurology, Children's Hospital of Nanjing Medical University
Classification: Pathogenic for Poirier-Bienvenu neurodevelopmental syndrome. Last evaluated: 2022-01-17. Review status: no assertion criteria provided. Collection method: clinical testing. Allele origin: de novo. Inheritance: Autosomal dominant inheritance. Affected: yes. Observed: 1 variant allele, 1 heterozygote.
Comment: The LOF variant results in a possible loss of gene function. It is a de novo variant confirmed by parental testing (in a family). The allele frequency in all population databases is less than 0.0005.

NM_001320.7(CSNK2B):c.414dup (p.Lys139fs)

Gene: CSNK2B (casein kinase 2 beta; plus strand). Cytogenetic location: 6p21.33.
Variant type: Duplication.
Coding change: c.414dup on transcript NM_001320.7 (MANE Select); coding-DNA position 414, one base duplicated (C; older notation c.414dupC).
Protein change: p.Lys139fs; shifts the reading frame from lysine 139.
Molecular consequence: frameshift variant.
Genome position (GRCh38, 1-based): chr6:31,669,365, C duplicated; the last of 4 consecutive C bases (chr6:31,669,362-31,669,365); duplicating any one gives the same sequence. VCF-style (leftmost placement, unchanged base first): chr6-31669361-G-GC. GRCh37 (hg19) VCF-style: chr6-31637138-G-GC.
Other names: c.405dup, p.Lys136fs (NM_001282385.2); c.414_415insC (NM_001320.7); short protein forms K136fs, K139fs.
Identifiers: ClinVar variation 4876690 (VCV004876690.1).